The following is an entry in ClinVar:

NM_001042492.3(NF1):c.3068dup (p.Met1023fs)

Gene: NF1 (neurofibromin 1; plus strand). Cytogenetic location: 17q11.2.
Variant type: Duplication.
Coding change: c.3068dup on transcript NM_001042492.3 (MANE Select); coding-DNA position 3068, one base duplicated (T; older notation c.3068dupT).
Protein change: p.Met1023fs; shifts the reading frame from methionine 1023.
Molecular consequence: frameshift variant.
Genome position (GRCh38, 1-based): chr17:31,230,337, T duplicated. VCF-style (leftmost placement, unchanged base first): chr17-31230336-A-AT. GRCh37 (hg19) VCF-style: chr17-29557354-A-AT.
Other names: c.3068dup, p.Met1023Ilefs (NM_000267.4); short protein forms M1023fs.
Identifiers: ClinVar variation 2853146 (VCV002853146.3), dbSNP rs2508206516, ClinGen allele CA2739267365.

ClinVar aggregate classification (germline): Pathogenic (1 of 4 stars; one submission).

Conditions:
Neurofibromatosis, type 1 (NF1). Also called: VON RECKLINGHAUSEN DISEASE; Neurofibromatosis, type I; Peripheral type neurofibromatosis; NEUROFIBROMATOSIS, TYPE I, SOMATIC. Identifiers: Orphanet 636, MedGen C0027831, MONDO:0018975, OMIM 162200. Disease mechanism: loss of function.

Submission:

Labcorp Genetics (formerly Invitae), Labcorp
Classification: Pathogenic for Neurofibromatosis, type 1. Last evaluated: 2023-04-07. Review status: criteria provided, single submitter. Criteria: Invitae Variant Classification Sherloc (09022015). Collection method: clinical testing. Allele origin: germline.
Comment: This sequence change creates a premature translational stop signal (p.Met1023Ilefs*6) in the NF1 gene. It is expected to result in an absent or disrupted protein product. Loss-of-function variants in NF1 are known to be pathogenic (PMID: 10712197, 23913538). For these reasons, this variant has been classified as Pathogenic. This variant has not been reported in the literature in individuals affected with NF1-related conditions. This variant is not present in population databases (gnomAD no frequency).

Literature cited by the submitters: PubMed 10712197; PubMed 23913538.